The following is an entry in ClinVar:

ClinVar aggregate classification (germline): Conflicting classifications of pathogenicity. Review status: criteria provided, conflicting classifications (1 of 4 stars). 12 submissions from 12 submitters: Uncertain significance (7); Likely benign (4). 1 of the submissions does not count toward it. Last evaluated 2025-11-03.

Conditions:
Lynch syndrome. Identifiers: Orphanet 144, MedGen C4552100, MONDO:0005835. Disease mechanism: loss of function.
Endometrial carcinoma. Also called: Endometrial carcinoma, somatic. Identifiers: MedGen C0476089, MONDO:0002447, OMIM 608089, HP:0012114.
Mismatch repair cancer syndrome 1 (MMRCS1). Also called: MISMATCH REPAIR DEFICIENCY; MMR DEFICIENCY; BRAIN TUMOR-POLYPOSIS SYNDROME 1; BTP1 SYNDROME; CHILDHOOD CANCER SYNDROME. Identifiers: Orphanet 252202, MedGen C5399763, MONDO:0010159, OMIM 276300. Disease mechanism: loss of function.
Lynch syndrome 5 (LYNCH5). Also called: Colorectal cancer, hereditary nonpolyposis, type 5; Hereditary non-polyposis colorectal cancer, type 5. Identifiers: Orphanet 144, MedGen C1833477, MONDO:0013710, OMIM 614350. Disease mechanism: loss of function.
Hereditary nonpolyposis colorectal neoplasms. Identifiers: MedGen C0009405, MeSH D003123.
Hereditary cancer-predisposing syndrome. Also called: Neoplastic Syndromes, Hereditary; Hereditary Cancer Syndrome; Tumor predisposition; Hereditary neoplastic syndrome. Identifiers: Orphanet 140162, MedGen C0027672, MeSH D009386, MONDO:0015356.

Allele frequency attached by ClinVar (database versions not stated): gnomAD exomes 0.00001; TOPMed 0.00001; gnomAD 0.00001.

Submissions (12):

Labcorp Genetics (formerly Invitae), Labcorp
Classification: Likely benign for Hereditary nonpolyposis colorectal neoplasms. Last evaluated: 2025-11-03. Review status: criteria provided, single submitter. Criteria: Invitae Variant Classification Sherloc (09022015). Collection method: clinical testing. Allele origin: germline.

Quest Diagnostics Nichols Institute San Juan Capistrano
Classification: Uncertain significance. Last evaluated: 2025-05-16. Review status: criteria provided, single submitter. Criteria: Quest Diagnostics criteria. Collection method: clinical testing. Allele origin: unknown.
Comment: The MSH6 c.3605T>C (p.Met1202Thr) variant has been reported in the published literature in individuals with gastrointestinal tumor (PMID: 26333163 (2015)), testicular cancer (PMID: 32366847 (2020)), and in reportedly unaffected individuals (PMID: 34172528 (2021), 39004446 (2024)). The variant is located in a region that is considered important for protein function and/or structure (17531815 (2007), 23391514 (2013), 12522549 (2003), 23621914 (2013), 24100870 (2013)). The frequency of this variant in the general population (Genome Aggregation Database) is uninformative in the assessment of its pathogenicity. Analysis of this variant using bioinformatics tools for the prediction of the effect of amino acid changes on protein structure and function yielded predictions that this variant is benign. Based on the available information, we are unable to determine the clinical significance of this variant.

All of Us Research Program, National Institutes of Health
Classification: Uncertain significance for Lynch syndrome. Last evaluated: 2024-07-20. Review status: criteria provided, single submitter. Criteria: ACMG Guidelines, 2015. Collection method: clinical testing. Allele origin: germline. Inheritance: Autosomal dominant inheritance. Observed: 2 variant alleles, 2 heterozygotes.
Comment: This missense variant replaces methionine with threonine at codon 1202 of the MSH6 protein. Computational prediction suggests that this variant may not impact protein structure and function (internally defined REVEL score threshold <= 0.5, PMID: 27666373). To our knowledge, functional studies have not been reported for this variant. This variant has been reported in individuals affected with suspected Lynch syndrome. This variant has been identified in 1/31382 chromosomes in the general population by the Genome Aggregation Database (gnomAD). The available evidence is insufficient to determine the role of this variant in disease conclusively. Therefore, this variant is classified as a Variant of Uncertain Significance.

This study involves interpretation of variants in research participants for the purpose of population health screening. Participant phenotype was not available at the time of variant classification. Additional details can be found in publication PMID: 35346344, PMCID: PMC8962531

Color Diagnostics, LLC DBA Color Health
Classification: Uncertain significance for Hereditary cancer-predisposing syndrome. Last evaluated: 2024-07-10. Review status: criteria provided, single submitter. Criteria: ACMG Guidelines, 2015. Collection method: clinical testing. Allele origin: germline.
Comment: This missense variant replaces methionine with threonine at codon 1202 of the MSH6 protein. Computational prediction suggests that this variant may not impact protein structure and function (internally defined REVEL score threshold <= 0.5, PMID: 27666373). To our knowledge, functional studies have not been reported for this variant. This variant has not been reported in individuals affected with MSH6-related disorders in the literature. This variant has been identified in 1/31382 chromosomes in the general population by the Genome Aggregation Database (gnomAD). The available evidence is insufficient to determine the role of this variant in disease conclusively. Therefore, this variant is classified as a Variant of Uncertain Significance.

Women's Health and Genetics/Laboratory Corporation of America, LabCorp
Classification: Uncertain significance. Last evaluated: 2024-01-02. Review status: criteria provided, single submitter. Criteria: LabCorp Variant Classification Summary - May 2015. Collection method: clinical testing. Allele origin: germline.
Comment: Variant summary: MSH6 c.3605T>C (p.Met1202Thr) results in a non-conservative amino acid change located in the DNA mismatch repair protein MutS, C-terminal domain (IPR000432) of the encoded protein sequence. Four of five in-silico tools predict a benign effect of the variant on protein function. The variant was absent in 251442 control chromosomes. The available data on variant occurrences in the general population are insufficient to allow any conclusion about variant significance. To our knowledge, no occurrence of c.3605T>C in individuals affected with Lynch Syndrome and no experimental evidence demonstrating its impact on protein function have been reported. Seven submitters have cited clinical-significance assessments for this variant to ClinVar after 2014. Multiple submitters reported the variant with conflicting assessments; five submitters classified the variant as uncertain significance, while two classified it as likely benign. Based on the evidence outlined above, the variant was classified as uncertain significance.

Blueprint Genetics
Classification: Likely benign. Last evaluated: 2023-07-26. Review status: criteria provided, single submitter. Criteria: ACMG Guidelines, 2015. Collection method: clinical testing. Allele origin: germline.

Myriad Genetics, Inc.
Classification: Uncertain significance for Lynch syndrome 5. Last evaluated: 2023-03-29. Review status: criteria provided, single submitter. Criteria: Myriad Autosomal Dominant, Autosomal Recessive and X-Linked Classification Criteria (2023). Collection method: clinical testing. Allele origin: unknown.
Comment: This variant is classified as a variant of uncertain significance as there is insufficient evidence to determine its impact on protein function and/or cancer risk.

Department of Pathology and Laboratory Medicine, Sinai Health System
Classification: Likely benign for Lynch syndrome. Last evaluated: 2021-02-18. Review status: criteria provided, single submitter. Criteria: ACMG Guidelines, 2015. Collection method: clinical testing. Allele origin: germline. Affected: yes.

GeneDx
Classification: Uncertain significance. Last evaluated: 2021-01-07. Review status: criteria provided, single submitter. Criteria: GeneDx Variant Classification Process June 2021. Collection method: clinical testing. Allele origin: germline. Affected: yes.
Comment: Not observed at a significant frequency in large population cohorts (Lek et al., 2016); In silico analysis supports that this missense variant does not alter protein structure/function; Has not been previously published as pathogenic or benign to our knowledge; This variant is associated with the following publications: (PMID: 26333163, 22290698, 21520333, 23443670)

Fulgent Genetics
Classification: Uncertain significance for Mismatch repair cancer syndrome 1; Endometrial carcinoma; Lynch syndrome 5. Last evaluated: 2018-10-31. Review status: criteria provided, single submitter. Criteria: ACMG Guidelines, 2015. Collection method: clinical testing. Allele origin: unknown.

Ambry Genetics
Classification: Likely benign for Hereditary cancer-predisposing syndrome. Last evaluated: 2018-06-26. Review status: criteria provided, single submitter. Criteria: Ambry Variant Classification Scheme 2023. Collection method: clinical testing. Allele origin: germline.

Counsyl
Classification: Uncertain significance for Lynch syndrome 5. Last evaluated: 2017-11-08. Review status: no assertion criteria provided. Collection method: clinical testing. Allele origin: unknown. Not counted in ClinVar's aggregate classification.

Literature cited by the submitters: PubMed 26333163 (cited by Quest Diagnostics Nichols Institute San Juan Capistrano and Counsyl); PubMed 22290698 (cited by Quest Diagnostics Nichols Institute San Juan Capistrano and Counsyl); PubMed 34172528 (cited by Quest Diagnostics Nichols Institute San Juan Capistrano); PubMed 39004446 (cited by Quest Diagnostics Nichols Institute San Juan Capistrano); PubMed 32366847 (cited by Quest Diagnostics Nichols Institute San Juan Capistrano).

NM_000179.3(MSH6):c.3605T>C (p.Met1202Thr)

Gene: MSH6 (mutS homolog 6; plus strand). Cytogenetic location: 2p16.3.
Variant type: single nucleotide variant.
Coding change: c.3605T>C on transcript NM_000179.3 (MANE Select); coding-DNA position 3605, T replaced by C.
Protein change: p.Met1202Thr; replaces methionine 1202 with threonine.
Molecular consequence: missense variant.
Genome position (GRCh38, 1-based): chr2:47,805,666, T>C. VCF-style: chr2-47805666-T-C. GRCh37 (hg19) VCF-style: chr2-48032805-T-C.
Other names: p.M1202T:ATG>ACG; c.3215T>C, p.Met1072Thr (NM_001281492.2); c.2699T>C, p.Met900Thr (NM_001281493.2, NM_001281494.2); short protein forms M1202T, M900T, M1072T.
Identifiers: ClinVar variation 89424 (VCV000089424.33), dbSNP rs587779273, ClinGen allele CA013519.